The following is an entry in ClinVar:

NM_001429.4(EP300):c.6265del (p.Ala2089fs)

Gene: EP300 (EP300 lysine acetyltransferase; plus strand). Cytogenetic location: 22q13.2.
Variant type: Deletion.
Coding change: c.6265del on transcript NM_001429.4 (MANE Select); coding-DNA position 6265, one base deleted (G; older notation c.6265delG).
Protein change: p.Ala2089fs; shifts the reading frame from alanine 2089.
Molecular consequence: frameshift variant.
Genome position (GRCh38, 1-based): chr22:41,177,976, G deleted; the last of 3 consecutive G bases (chr22:41,177,974-41,177,976); deleting any one gives the same sequence. VCF-style (leftmost placement, unchanged base first): chr22-41177973-CG-C. GRCh37 (hg19) VCF-style: chr22-41573977-CG-C.
Other names: c.6187del, p.Ala2063fs (NM_001362843.2); short protein forms A2063fs, A2089fs.
Identifiers: ClinVar variation 4530052 (VCV004530052.1).

ClinVar aggregate classification (somatic clinical impact): Tier II - Potential (1 of 4 stars; one submission).

Conditions:
Embryonal rhabdomyosarcoma (ERMS). Also called: Botryoid rhabdomyosarcoma (type of ERMS); Spindle cell rhabdomyosarcomas (type of ERMS). Identifiers: Orphanet 99757, MedGen C0206656, MONDO:0009993, HP:0006743.

Submission:

Institute for Genomic Medicine (IGM) Clinical Laboratory, Nationwide Children's Hospital
Classification: Tier II - Potential for Embryonal rhabdomyosarcoma. Assertion type: diagnostic. Clinical significance: supports diagnosis. Last evaluated: 2024-09-23. Review status: criteria provided, single submitter. Criteria: AMP/ASCO/CAP Guidelines, 2017. Collection method: clinical testing. Allele origin: somatic. Affected: yes.
Comment: Variant has Tier II (potential) clinical significance as a diagnostic inclusion criterion in embryonal rhabdomyosarcoma, based on the following evidence: 1) Assists in diagnosis alone or along with other biomarkers based on small studies or few case reports (Evidence Level D; PMID: 35705558).

Literature cited by the submitters: PubMed 35705558.